The following is an entry in ClinVar:

NM_004370.6(COL12A1):c.7867A>T (p.Asn2623Tyr)

Gene: COL12A1 (collagen type XII alpha 1 chain; minus strand). Cytogenetic location: 6q13.
Variant type: single nucleotide variant.
Coding change: c.7867A>T on transcript NM_004370.6 (MANE Select); coding-DNA position 7867, A replaced by T.
Protein change: p.Asn2623Tyr; replaces asparagine 2623 with tyrosine.
Molecular consequence: missense variant.
Genome position (GRCh38, 1-based): chr6:75,113,287, T>A on the plus strand (A>T on the coding strand, the complement: COL12A1 is on the minus strand). VCF-style: chr6-75113287-T-A. GRCh37 (hg19) VCF-style: chr6-75823003-T-A.
Other names: c.4375A>T, p.Asn1459Tyr (NM_080645.3); short protein forms N1459Y, N2623Y.
Identifiers: ClinVar variation 1912712 (VCV001912712.5), dbSNP rs1365368382, ClinGen allele CA364743840.

ClinVar aggregate classification (germline): Uncertain significance (1 of 4 stars; one submission).

Conditions:
Ullrich congenital muscular dystrophy 2 (UCMD2). Identifiers: Orphanet 75840, MedGen C4225314, MONDO:0014654, OMIM 616470.
Bethlem myopathy 2 (BTHLM2). Identifiers: Orphanet 536516, Orphanet 610, MedGen C4225313, MONDO:0034022, OMIM 616471.

Allele frequency attached by ClinVar (database versions not stated): TOPMed below 0.00001; gnomAD 0.00001.
gnomAD v4.1: 1 of 1,557,840 alleles (0.000064%); highest among the groups gnomAD compares: Non-Finnish European, 0.000087%; no homozygotes.

Submission:

Labcorp Genetics (formerly Invitae), Labcorp
Classification: Uncertain significance for Bethlem myopathy 2; Ullrich congenital muscular dystrophy 2. Last evaluated: 2021-12-24. Review status: criteria provided, single submitter. Criteria: Invitae Variant Classification Sherloc (09022015). Collection method: clinical testing. Allele origin: germline.
Comment: This variant is not present in population databases (gnomAD no frequency). This sequence change replaces asparagine, which is neutral and polar, with tyrosine, which is neutral and polar, at codon 2623 of the COL12A1 protein (p.Asn2623Tyr). This variant has not been reported in the literature in individuals affected with COL12A1-related conditions. Algorithms developed to predict the effect of missense changes on protein structure and function (SIFT, PolyPhen-2, Align-GVGD) all suggest that this variant is likely to be disruptive. In summary, the available evidence is currently insufficient to determine the role of this variant in disease. Therefore, it has been classified as a Variant of Uncertain Significance.